The following is an entry in ClinVar:

ClinVar aggregate classification (germline): Uncertain significance (1 of 4 stars; one submission).

Conditions:
Familial thoracic aortic aneurysm and aortic dissection (TAAD). Also called: Thoracic aortic aneurysms and dissections. Identifiers: Orphanet 91387, MedGen C4707243, MONDO:0019625.

gnomAD v4.1: 12 of 1,614,146 alleles (0.00074%); highest among the groups gnomAD compares: Non-Finnish European, 0.00093%; no homozygotes.

Submission:

Ambry Genetics
Classification: Uncertain significance for Familial thoracic aortic aneurysm and aortic dissection. Last evaluated: 2025-03-25. Review status: criteria provided, single submitter. Criteria: Ambry Variant Classification Scheme 2023. Collection method: clinical testing. Allele origin: germline.
Comment: The p.A1801T variant (also known as c.5401G>A), located in coding exon 30 of the MYLK gene, results from a G to A substitution at nucleotide position 5401. The alanine at codon 1801 is replaced by threonine, an amino acid with similar properties. This amino acid position is conserved. In addition, this alteration is predicted to be tolerated by in silico analysis. Based on the available evidence, the clinical significance of this variant remains unclear.

NM_053025.4(MYLK):c.5401G>A (p.Ala1801Thr)

Genes: MYLK-AS1 (MYLK antisense RNA 1; plus strand), MYLK (myosin light chain kinase; minus strand). Cytogenetic location: 3q21.1.
Variant type: single nucleotide variant.
Coding change: c.5401G>A on transcript NM_053025.4 (MANE Select); coding-DNA position 5401, G replaced by A.
Protein change: p.Ala1801Thr; replaces alanine 1801 with threonine.
Molecular consequence: missense variant.
Genome position (GRCh38, 1-based): chr3:123,618,738, C>T on the plus strand (G>A on the coding strand, the complement: MYLK is on the minus strand). VCF-style: chr3-123618738-C-T. GRCh37 (hg19) VCF-style: chr3-123337585-C-T.
Other names: c.4873G>A, p.Ala1625Thr (NM_001321309.2); c.5194G>A, p.Ala1732Thr (NM_053026.4); c.5248G>A, p.Ala1750Thr (NM_053027.4); c.5041G>A, p.Ala1681Thr (NM_053028.4); c.118G>A, p.Ala40Thr (NM_053031.4); c.121G>A, p.Ala41Thr (NM_053032.4); short protein forms A1681T, A41T, A40T, A1625T, A1732T, A1750T, A1801T.
Identifiers: ClinVar variation 3915757 (VCV003915757.1).